The following is an entry in ClinVar:

ClinVar aggregate classification (germline): Uncertain significance (1 of 4 stars; one submission).

Conditions:
Meckel-Gruber syndrome. Also called: DYSENCEPHALIA SPLANCHNOCYSTICA; GRUBER SYNDROME; Dysencephalia splachnocystica. Identifiers: Orphanet 564, MedGen C0265215, MONDO:0018921.
Joubert syndrome. Also called: CEREBELLOPARENCHYMAL DISORDER IV; JOUBERT-BOLTSHAUSER SYNDROME; Familial aplasia of the vermis. Identifiers: Orphanet 475, MedGen C5979921, MONDO:0018772.

Allele frequency attached by ClinVar (database versions not stated): gnomAD exomes 0.00001 and 0.00002; gnomAD 0.00007; TOPMed 0.00008.

Submission:

Labcorp Genetics (formerly Invitae), Labcorp
Classification: Uncertain significance for Joubert syndrome; Meckel-Gruber syndrome. Last evaluated: 2022-02-24. Review status: criteria provided, single submitter. Criteria: Invitae Variant Classification Sherloc (09022015). Collection method: clinical testing. Allele origin: germline.
Comment: In summary, the available evidence is currently insufficient to determine the role of this variant in disease. Therefore, it has been classified as a Variant of Uncertain Significance. Algorithms developed to predict the effect of missense changes on protein structure and function output the following: SIFT: "Tolerated"; PolyPhen-2: "Benign"; Align-GVGD: "Class C0". The alanine amino acid residue is found in multiple mammalian species, which suggests that this missense change does not adversely affect protein function. This variant has not been reported in the literature in individuals affected with TCTN1-related conditions. This variant is present in population databases (no rsID available, gnomAD 0.01%). This sequence change replaces threonine, which is neutral and polar, with alanine, which is neutral and non-polar, at codon 203 of the TCTN1 protein (p.Thr203Ala).

NM_001082538.3(TCTN1):c.607A>G (p.Thr203Ala)

Gene: TCTN1 (tectonic family member 1; plus strand). Cytogenetic location: 12q24.11.
Variant type: single nucleotide variant.
Coding change: c.607A>G on transcript NM_001082538.3 (MANE Select); coding-DNA position 607, A replaced by G.
Protein change: p.Thr203Ala; replaces threonine 203 with alanine.
Molecular consequence: missense variant. On other transcripts: non-coding transcript variant (1).
Genome position (GRCh38, 1-based): chr12:110,628,901, A>G. VCF-style: chr12-110628901-A-G. GRCh37 (hg19) VCF-style: chr12-111066706-A-G.
Other names: c.607A>G, p.Thr203Ala (NM_001082537.3, NM_001319680.2, NM_024549.6); c.439A>G, p.Thr147Ala (NM_001173975.3, NM_001319682.3); c.427A>G, p.Thr143Ala (NM_001173976.2); c.73A>G, p.Thr25Ala (NM_001319681.2); short protein forms T203A, T25A, T143A, T147A.
Identifiers: ClinVar variation 1512321 (VCV001512321.8), dbSNP rs1483033032, ClinGen allele CA386702635.